The following is an entry in ClinVar:

NM_001267550.2(TTN):c.52144A>G (p.Arg17382Gly)

Genes: TTN (titin; minus strand), TTN-AS1 (TTN antisense RNA 1; plus strand). Cytogenetic location: 2q31.2.
Variant type: single nucleotide variant.
Coding change: c.52144A>G on transcript NM_001267550.2 (MANE Select); coding-DNA position 52144, A replaced by G.
Protein change: p.Arg17382Gly; replaces arginine 17382 with glycine.
Molecular consequence: missense variant.
Genome position (GRCh38, 1-based): chr2:178,608,867, T>C on the plus strand (A>G on the coding strand, the complement: TTN is on the minus strand). VCF-style: chr2-178608867-T-C. GRCh37 (hg19) VCF-style: chr2-179473594-T-C.
Other names: c.47221A>G, p.Arg15741Gly (NM_001256850.1); c.44440A>G, p.Arg14814Gly (NM_133378.4); c.24949A>G, p.Arg8317Gly (NM_003319.4); c.25324A>G, p.Arg8442Gly (NM_133432.3); c.25525A>G, p.Arg8509Gly (NM_133437.4); short protein forms R17382G, R14814G, R15741G, R8509G, R8317G, R8442G.
Identifiers: ClinVar variation 47060 (VCV000047060.30), dbSNP rs397517607, ClinGen allele CA139888.
Genomic context (GRCh38, chr2:178,608,867, plus strand): 5'-TGATTTCACTGCCACCATCATCAAGGGGTGGTTCCCATTTACAAAGGACTGAGGTCTTTC[T>C]GATATCTTCAAATACAAAGTTGATTGGTGGTCCCGGTGTATCTAATATTTCAGAAGAGAA-3'
Protein context (NP_001254479.2, residues 17372-17392): PPINFVFEDI[Arg17382Gly]KTSVLCKWEP

ClinVar aggregate classification (germline): Conflicting classifications of pathogenicity. Review status: criteria provided, conflicting classifications (1 of 4 stars). 9 submissions from 9 submitters: Uncertain significance (3); Benign (1); Likely benign (5). Last evaluated 2025-11-27.

Conditions:
TTN-related disorder. Also called: TTN-related condition; TTN-related disease; TTN-related disorders.
Autosomal recessive limb-girdle muscular dystrophy type 2J (LGMDR10). Also called: Limb-girdle muscular dystrophy, type 2J; MUSCULAR DYSTROPHY, LIMB-GIRDLE, AUTOSOMAL RECESSIVE 10. Identifiers: Orphanet 140922, MedGen C1837342, MONDO:0012127, OMIM 608807.
Dilated cardiomyopathy 1G (CMD1G). Identifiers: Orphanet 154, MedGen C1858763, MONDO:0011400, OMIM 604145.
Cardiovascular phenotype. Identifiers: MedGen CN230736.
Cardiomyopathy (CMYO). Also called: Cardiomyopathies. Identifiers: Orphanet 167848, MedGen C0878544, MONDO:0004994, HP:0001638. Inheritance: Various modes of inheritance.

Allele frequency attached by ClinVar (database versions not stated): gnomAD 0.00001 and 0.00004; TOPMed 0.00009; gnomAD exomes 0.00015 and 0.00030; ExAC 0.00026.
gnomAD v4.1: 225 of 1,611,468 alleles (0.014%); highest among the groups gnomAD compares: South Asian, 0.23%; 5 homozygotes.

Submissions (9):

Labcorp Genetics (formerly Invitae), Labcorp
Classification: Likely benign for Dilated cardiomyopathy 1G; Autosomal recessive limb-girdle muscular dystrophy type 2J. Last evaluated: 2025-11-27. Review status: criteria provided, single submitter. Criteria: Invitae Variant Classification Sherloc (09022015). Collection method: clinical testing. Allele origin: germline.

PreventionGenetics, part of Exact Sciences
Classification: Likely benign for TTN-related condition. Last evaluated: 2025-09-29. Review status: criteria provided, single submitter. Criteria: ACMG Guidelines, 2015. Collection method: clinical testing. Allele origin: germline.
Comment: This variant is classified as likely benign based on ACMG/AMP sequence variant interpretation guidelines (Richards et al. 2015 PMID: 25741868, with internal and published modifications).

Blueprint Genetics
Classification: Likely benign. Last evaluated: 2024-07-02. Review status: criteria provided, single submitter. Criteria: ACMG Guidelines, 2015. Collection method: clinical testing. Allele origin: germline.

Revvity Omics, Revvity
Classification: Uncertain significance. Last evaluated: 2023-09-14. Review status: criteria provided, single submitter. Criteria: ACMG Guidelines, 2015. Collection method: clinical testing. Allele origin: germline.

GeneDx
Classification: Likely benign. Last evaluated: 2020-07-13. Review status: criteria provided, single submitter. Criteria: GeneDx Variant Classification Process June 2021. Collection method: clinical testing. Allele origin: germline. Affected: yes.

CHEO Genetics Diagnostic Laboratory, Children's Hospital of Eastern Ontario
Classification: Benign for Cardiomyopathy. Last evaluated: 2020-06-29. Review status: criteria provided, single submitter. Criteria: ACMG Guidelines, 2015. Collection method: clinical testing. Allele origin: germline.

Ambry Genetics
Classification: Likely benign for Cardiovascular phenotype. Last evaluated: 2018-07-09. Review status: criteria provided, single submitter. Criteria: Ambry Variant Classification Scheme 2023. Collection method: clinical testing. Allele origin: germline.

Eurofins Ntd Llc (ga)
Classification: Uncertain significance. Last evaluated: 2017-02-02. Review status: criteria provided, single submitter. Criteria: EGL Classification Definitions 2015. Collection method: clinical testing. Allele origin: germline. Observed: 1 variant allele, 1 heterozygote.

Laboratory for Molecular Medicine, Mass General Brigham Personalized Medicine
Classification: Uncertain significance. Last evaluated: 2012-08-22. Review status: criteria provided, single submitter. Criteria: LMM Criteria. Collection method: clinical testing. Allele origin: germline. Observed: 1 variant allele.
Comment: The Arg14814Gly variant in TTN has not been reported in the literature nor previ ously identified in our laboratory. Computational analyses (biochemical amino ac id properties, conservation, AlignGVGD, PolyPhen2, and SIFT) suggest that the va riant may impact the protein, though this information is not predictive enough t o determine pathogenicity. Additional studies are needed to fully assess the cli nical significance of this variant.